The following is an entry in ClinVar:

NM_000245.4(MET):c.2159T>A (p.Phe720Tyr)

Gene: MET (MET proto-oncogene, receptor tyrosine kinase; plus strand). Cytogenetic location: 7q31.2.
Variant type: single nucleotide variant.
Coding change: c.2159T>A on transcript NM_000245.4 (MANE Select); coding-DNA position 2159, T replaced by A.
Protein change: p.Phe720Tyr; replaces phenylalanine 720 with tyrosine.
Molecular consequence: missense variant.
Genome position (GRCh38, 1-based): chr7:116,758,515, T>A. VCF-style: chr7-116758515-T-A. GRCh37 (hg19) VCF-style: chr7-116398569-T-A.
Other names: c.2159T>A, p.Phe720Tyr (NM_001127500.3, NM_001324401.3); c.869T>A, p.Phe290Tyr (NM_001324402.2); short protein forms F290Y, F720Y.
Identifiers: ClinVar variation 1445663 (VCV001445663.8), dbSNP rs2116931016, ClinGen allele CA368980573.

ClinVar aggregate classification (germline): Uncertain significance (1 of 4 stars; one submission).

Conditions:
Renal cell carcinoma. Identifiers: Orphanet 217071, MedGen C0007134, MeSH D002292, MONDO:0005086, HP:0005584.

gnomAD v4.1: 1 of 1,613,938 alleles (0.000062%); no homozygotes.

Submission:

Labcorp Genetics (formerly Invitae), Labcorp
Classification: Uncertain significance for Renal cell carcinoma. Last evaluated: 2021-08-17. Review status: criteria provided, single submitter. Criteria: Invitae Variant Classification Sherloc (09022015). Collection method: clinical testing. Allele origin: germline.
Comment: In summary, the available evidence is currently insufficient to determine the role of this variant in disease. Therefore, it has been classified as a Variant of Uncertain Significance. Algorithms developed to predict the effect of missense changes on protein structure and function output the following: SIFT: "Tolerated"; PolyPhen-2: "Benign"; Align-GVGD: "Class C0". The tyrosine amino acid residue is found in multiple mammalian species, which suggests that this missense change does not adversely affect protein function. This variant has not been reported in the literature in individuals affected with MET-related conditions. This variant is not present in population databases (ExAC no frequency). This sequence change replaces phenylalanine with tyrosine at codon 720 of the MET protein (p.Phe720Tyr). The phenylalanine residue is weakly conserved and there is a small physicochemical difference between phenylalanine and tyrosine.